The following is an entry in ClinVar:

ClinVar aggregate classification (germline): Conflicting classifications of pathogenicity. Review status: criteria provided, conflicting classifications (1 of 4 stars). 3 submissions from 3 submitters: Uncertain significance (2); Likely benign (1). Last evaluated 2022-12-01.

Conditions:
Mucopolysaccharidosis type 6 (MPS6). Also called: ARSB DEFICIENCY; ARYLSULFATASE B DEFICIENCY; MPS 6; Maroteaux Lamy syndrome; N-ACETYLGALACTOSAMINE-4-SULFATASE DEFICIENCY; MPS VI. Identifiers: Orphanet 583, MedGen C0026709, MONDO:0009661, OMIM 253200.

Allele frequency attached by ClinVar (database versions not stated): 1000 Genomes Project 30x 0.00234; 1000 Genomes Project 0.00240; TOPMed 0.00505; gnomAD 0.00535 and 0.00552.

Submissions (3):

CeGaT Center for Human Genetics Tuebingen
Classification: Likely benign. Last evaluated: 2022-12-01. Review status: criteria provided, single submitter. Criteria: CeGaT Center For Human Genetics Tuebingen Variant Classification Criteria Version 2. Collection method: clinical testing. Allele origin: germline. Affected: yes. Observed: 1 variant allele.
Comment: ARSB: BS2

Illumina Laboratory Services, Illumina
Classification: Uncertain significance for Mucopolysaccharidosis type 6. Last evaluated: 2018-01-12. Review status: criteria provided, single submitter. Criteria: ICSL Variant Classification Criteria 13 December 2019. Collection method: clinical testing. Allele origin: germline.

Breakthrough Genomics
Classification: Uncertain significance. Review status: criteria provided, single submitter. Criteria: ACMG Guidelines, 2015. Collection method: not provided. Allele origin: germline. Inheritance: Autosomal recessive inheritance. Affected: yes.

NM_000046.5(ARSB):c.*1635G>A

Gene: ARSB (arylsulfatase B; minus strand). Cytogenetic location: 5q14.1.
Variant type: single nucleotide variant.
Coding change: c.*1635G>A on transcript NM_000046.5 (MANE Select); 1635 bases downstream of the stop codon, G replaced by A.
Molecular consequence: 3 prime UTR variant.
Genome position (GRCh38, 1-based): chr5:78,778,762, C>T on the plus strand (G>A on the coding strand, the complement: ARSB is on the minus strand). VCF-style: chr5-78778762-C-T. GRCh37 (hg19) VCF-style: chr5-78074585-C-T.
Identifiers: ClinVar variation 906689 (VCV000906689.29), dbSNP rs35597782, ClinGen allele CA121678955.